The following is an entry in ClinVar:

ClinVar aggregate classification (germline): Uncertain significance (1 of 4 stars; one submission).

Conditions:
Early-infantile DEE. Also called: Ohtahara syndrome; Early infantile epileptic encephalopathy with suppression bursts; Early infantile epileptic encephalopathy. Identifiers: Orphanet 1934, MedGen C0393706, MONDO:0800491.

Allele frequency attached by ClinVar (database versions not stated): gnomAD exomes below 0.00001.
gnomAD v4.1: 1 of 1,596,192 alleles (0.000063%); highest among the groups gnomAD compares: Non-Finnish European, 0.000085%; no homozygotes.

Submission:

Labcorp Genetics (formerly Invitae), Labcorp
Classification: Uncertain significance for Early-infantile DEE. Last evaluated: 2023-08-05. Review status: criteria provided, single submitter. Criteria: Invitae Variant Classification Sherloc (09022015). Collection method: clinical testing. Allele origin: germline.
Comment: An algorithm developed to predict the effect of missense changes on protein structure and function (PolyPhen-2) suggests that this variant is likely to be tolerated. This sequence change replaces proline, which is neutral and non-polar, with serine, which is neutral and polar, at codon 776 of the KCNQ2 protein (p.Pro776Ser). This variant is not present in population databases (gnomAD no frequency). This variant has not been reported in the literature in individuals affected with KCNQ2-related conditions. In summary, the available evidence is currently insufficient to determine the role of this variant in disease. Therefore, it has been classified as a Variant of Uncertain Significance.

NM_172107.4(KCNQ2):c.2326C>T (p.Pro776Ser)

Gene: KCNQ2 (potassium voltage-gated channel subfamily Q member 2; minus strand). Cytogenetic location: 20q13.33.
Variant type: single nucleotide variant.
Coding change: c.2326C>T on transcript NM_172107.4 (MANE Select); coding-DNA position 2326, C replaced by T.
Protein change: p.Pro776Ser; replaces proline 776 with serine.
Molecular consequence: missense variant.
Genome position (GRCh38, 1-based): chr20:63,406,937, G>A on the plus strand (C>T on the coding strand, the complement: KCNQ2 is on the minus strand). VCF-style: chr20-63406937-G-A. GRCh37 (hg19) VCF-style: chr20-62038290-G-A.
Other names: c.2380C>T, p.Pro794Ser (NM_001382235.1); c.2242C>T, p.Pro748Ser (NM_004518.6); c.2272C>T, p.Pro758Ser (NM_172106.3); c.2233C>T, p.Pro745Ser (NM_172108.5); short protein forms P794S, P776S, P745S, P748S, P758S.
Identifiers: ClinVar variation 2971825 (VCV002971825.3), dbSNP rs2516096298, ClinGen allele CA409637745.